The following is an entry in ClinVar:

ClinVar aggregate classification (germline): Pathogenic. Review status: criteria provided, multiple submitters, no conflicts (2 of 4 stars). 4 submissions from 4 submitters: Pathogenic (4). Last evaluated 2023-12-30.

Conditions:
Hereditary cancer-predisposing syndrome. Also called: Neoplastic Syndromes, Hereditary; Tumor predisposition; Hereditary Cancer Syndrome; Hereditary neoplastic syndrome. Identifiers: Orphanet 140162, MedGen C0027672, MeSH D009386, MONDO:0015356.
Familial cancer of breast. Also called: BREAST CANCER, FAMILIAL; Hereditary breast cancer; hereditary breast carcinoma. Identifiers: Orphanet 227535, MedGen C0346153, MONDO:0016419, OMIM 114480. Disease mechanism: loss of function.

gnomAD v4.1: 1 of 1,614,014 alleles (0.000062%); highest among the groups gnomAD compares: Non-Finnish European, 0.000085%; no homozygotes.

Submissions (4):

Labcorp Genetics (formerly Invitae), Labcorp
Classification: Pathogenic for Familial cancer of breast. Last evaluated: 2023-12-30. Review status: criteria provided, single submitter. Criteria: Invitae Variant Classification Sherloc (09022015). Collection method: clinical testing. Allele origin: germline.
Comment: This sequence change creates a premature translational stop signal (p.Tyr551*) in the PALB2 gene. It is expected to result in an absent or disrupted protein product. Loss-of-function variants in PALB2 are known to be pathogenic (PMID: 17200668, 17200671, 17200672, 24136930, 25099575). This variant is not present in population databases (gnomAD no frequency). This premature translational stop signal has been observed in individual(s) with breast and/or ovarian cancer and/or Fanconi anemia (PMID: 17200672, 21285249, 23935836, 28724667). ClinVar contains an entry for this variant (Variation ID: 819760). For these reasons, this variant has been classified as Pathogenic.

Myriad Genetics, Inc.
Classification: Pathogenic for Familial cancer of breast. Last evaluated: 2023-09-11. Review status: criteria provided, single submitter. Criteria: Myriad Autosomal Dominant, Autosomal Recessive and X-Linked Classification Criteria (2023). Collection method: clinical testing. Allele origin: unknown.
Comment: This variant is considered pathogenic. This variant creates a termination codon and is predicted to result in premature protein truncation.

Ambry Genetics
Classification: Pathogenic for Hereditary cancer-predisposing syndrome. Last evaluated: 2022-06-20. Review status: criteria provided, single submitter. Criteria: Ambry Variant Classification Scheme 2023. Collection method: clinical testing. Allele origin: germline.
Comment: The p.Y551* pathogenic mutation (also known as c.1653T>G), located in coding exon 4 of the PALB2 gene, results from a T to G substitution at nucleotide position 1653. This changes the amino acid from a tyrosine to a stop codon within coding exon 4. This mutation was reported in a patient with Fanconi anemia subtype N and in several patients with breast cancer and family histories of breast and/or pancreatic cancer (Xia B et al. Nat. Genet. 2007 Feb;39:159-61; Casadei S et al. Cancer Res. 2011 Mar;71:2222-9; Blanco A et al. PLoS ONE 2013 Jul;8:e67538). Of note, this mutation is also designated as Y551X and p.Tyr551Stop in published literature. This variant is considered to be rare based on population cohorts in the Genome Aggregation Database (gnomAD). In addition to the clinical data presented in the literature, this alteration is expected to result in loss of function by premature protein truncation or nonsense-mediated mRNA decay. As such, this alteration is interpreted as a disease-causing mutation.

Quest Diagnostics Nichols Institute San Juan Capistrano
Classification: Pathogenic. Last evaluated: 2020-03-15. Review status: criteria provided, single submitter. Criteria: Quest Diagnostics criteria. Collection method: clinical testing. Allele origin: unknown.
Comment: The variant creates a premature nonsense codon, and is therefore predicted to result in the loss of a functional protein. Found in at least one patient with expected phenotype for this gene, and not found in general population data.

Literature cited by the submitters: PubMed 17200668 (cited by Labcorp Genetics (formerly Invitae), Labcorp); PubMed 17200671 (cited by Labcorp Genetics (formerly Invitae), Labcorp); PubMed 17200672 (cited by Labcorp Genetics (formerly Invitae), Labcorp and Ambry Genetics); PubMed 24136930 (cited by Labcorp Genetics (formerly Invitae), Labcorp); PubMed 25099575 (cited by Labcorp Genetics (formerly Invitae), Labcorp); PubMed 21285249 (cited by Labcorp Genetics (formerly Invitae), Labcorp and Ambry Genetics); PubMed 23935836 (cited by Labcorp Genetics (formerly Invitae), Labcorp and Ambry Genetics); PubMed 28724667 (cited by Labcorp Genetics (formerly Invitae), Labcorp and Quest Diagnostics Nichols Institute San Juan Capistrano).

NM_024675.4(PALB2):c.1653T>G (p.Tyr551Ter)

Gene: PALB2 (partner and localizer of BRCA2; minus strand). Cytogenetic location: 16p12.2.
Variant type: single nucleotide variant.
Coding change: c.1653T>G on transcript NM_024675.4 (MANE Select); coding-DNA position 1653, T replaced by G.
Protein change: p.Tyr551Ter; replaces tyrosine 551 with a stop codon.
Molecular consequence: nonsense.
Genome position (GRCh38, 1-based): chr16:23,634,893, A>C on the plus strand (T>G on the coding strand, the complement: PALB2 is on the minus strand). VCF-style: chr16-23634893-A-C. GRCh37 (hg19) VCF-style: chr16-23646214-A-C.
Other names: short protein forms Y551*.
Identifiers: ClinVar variation 819760 (VCV000819760.13), dbSNP rs118203997, ClinGen allele CA395130088.